The following is an entry in ClinVar:

NM_032043.3(BRIP1):c.1171A>G (p.Ile391Val)

Gene: BRIP1 (BRCA1 interacting DNA helicase 1; minus strand). Cytogenetic location: 17q23.2.
Variant type: single nucleotide variant.
Coding change: c.1171A>G on transcript NM_032043.3 (MANE Select); coding-DNA position 1171, A replaced by G.
Protein change: p.Ile391Val; replaces isoleucine 391 with valine.
Molecular consequence: missense variant.
Genome position (GRCh38, 1-based): chr17:61,799,269, T>C on the plus strand (A>G on the coding strand, the complement: BRIP1 is on the minus strand). VCF-style: chr17-61799269-T-C. GRCh37 (hg19) VCF-style: chr17-59876630-T-C.
Other names: short protein forms I391V.
Identifiers: ClinVar variation 216784 (VCV000216784.26), dbSNP rs863224798, ClinGen allele CA335818.

ClinVar aggregate classification (germline): Uncertain significance. Review status: criteria provided, multiple submitters, no conflicts (2 of 4 stars). 10 submissions from 10 submitters: Uncertain significance (9). 1 of the submissions does not count toward it. Last evaluated 2026-01-01.

Conditions:
Fanconi anemia complementation group J. Also called: BRIP1-Related Fanconi Anemia. Identifiers: Orphanet 84, MedGen C1836860, MONDO:0012187, OMIM 609054.
Ovarian cancer. Also called: OVARIAN CANCER, SOMATIC. Identifiers: Orphanet 213500, MedGen C1140680, MONDO:0008170, OMIM 167000.
BRIP1-related disorder. Also called: BRIP1-related condition; BRIP1-related disorders. Identifiers: MedGen CN239206.
Hereditary cancer-predisposing syndrome. Also called: Neoplastic Syndromes, Hereditary; Tumor predisposition; Hereditary Cancer Syndrome; Hereditary neoplastic syndrome. Identifiers: Orphanet 140162, MedGen C0027672, MeSH D009386, MONDO:0015356.
Familial cancer of breast. Also called: hereditary breast carcinoma; BREAST CANCER, FAMILIAL; Hereditary breast cancer. Identifiers: Orphanet 227535, MedGen C0346153, MONDO:0016419, OMIM 114480. Disease mechanism: loss of function.

Allele frequency attached by ClinVar (database versions not stated): gnomAD exomes below 0.00001; gnomAD 0.00003; TOPMed 0.00003.
gnomAD v4.1: 8 of 1,613,060 alleles (0.0005%); highest among the groups gnomAD compares: African/African-American, 0.008%; no homozygotes.

Submissions (10):

Labcorp Genetics (formerly Invitae), Labcorp
Classification: Uncertain significance for Familial cancer of breast; Fanconi anemia complementation group J. Last evaluated: 2026-01-01. Review status: criteria provided, single submitter. Criteria: Invitae Variant Classification Sherloc (09022015). Collection method: clinical testing. Allele origin: germline.
Comment: This sequence change replaces isoleucine, which is neutral and non-polar, with valine, which is neutral and non-polar, at codon 391 of the BRIP1 protein (p.Ile391Val). This variant is not present in population databases (gnomAD no frequency). This variant has not been reported in the literature in individuals affected with BRIP1-related conditions. ClinVar contains an entry for this variant (Variation ID: 216784). Invitae Evidence Modeling of protein sequence and biophysical properties (such as structural, functional, and spatial information, amino acid conservation, physicochemical variation, residue mobility, and thermodynamic stability) indicates that this missense variant is not expected to disrupt BRIP1 protein function with a negative predictive value of 95%. In summary, the available evidence is currently insufficient to determine the role of this variant in disease. Therefore, it has been classified as a Variant of Uncertain Significance.

PreventionGenetics, part of Exact Sciences
Classification: Uncertain significance for BRIP1-related condition. Last evaluated: 2025-07-06. Review status: criteria provided, single submitter. Criteria: ACMG Guidelines, 2015. Collection method: clinical testing. Allele origin: germline.
Comment: The BRIP1 c.1171A>G variant is predicted to result in the amino acid substitution p.Ile391Val. To our knowledge, this variant has not been reported in the literature. This variant is reported in 0.00088% of alleles in individuals of European (Non-Finnish) descent in gnomAD and is interpreted as uncertain in ClinVar. At this time, the clinical significance of this variant is uncertain due to the absence of conclusive functional and genetic evidence.

GeneDx
Classification: Uncertain significance. Last evaluated: 2025-06-10. Review status: criteria provided, single submitter. Criteria: GeneDx Variant Classification Process June 2021. Collection method: clinical testing. Allele origin: germline. Affected: yes.
Comment: Not observed at significant frequency in large population cohorts (gnomAD); In silico analysis suggests that this missense variant does not alter protein structure/function; Has not been previously published as pathogenic or benign to our knowledge; This variant is associated with the following publications: (PMID: 11301010)

Ambry Genetics
Classification: Uncertain significance for Hereditary cancer-predisposing syndrome. Last evaluated: 2025-03-30. Review status: criteria provided, single submitter. Criteria: Ambry Variant Classification Scheme 2023. Collection method: clinical testing. Allele origin: germline.
Comment: The p.I391V variant (also known as c.1171A>G), located in coding exon 8 of the BRIP1 gene, results from an A to G substitution at nucleotide position 1171. The isoleucine at codon 391 is replaced by valine, an amino acid with highly similar properties. This amino acid position is not well conserved in available vertebrate species. In addition, this alteration is predicted to be tolerated by in silico analysis. Since supporting evidence is limited at this time, the clinical significance of this alteration remains unclear.

Fulgent Genetics
Classification: Uncertain significance for Familial cancer of breast; Fanconi anemia complementation group J. Last evaluated: 2024-06-06. Review status: criteria provided, single submitter. Criteria: ACMG Guidelines, 2015. Collection method: clinical testing. Allele origin: germline.

Color Diagnostics, LLC DBA Color Health
Classification: Uncertain significance for Hereditary cancer-predisposing syndrome. Last evaluated: 2024-03-06. Review status: criteria provided, single submitter. Criteria: ACMG Guidelines, 2015. Collection method: clinical testing. Allele origin: germline.
Comment: This missense variant replaces isoleucine with valine at codon 391 of the BRIP1 protein. Computational prediction suggests that this variant may not impact protein structure and function (internally defined REVEL score threshold <= 0.5, PMID: 27666373). To our knowledge, functional studies have not been reported for this variant. This variant has not been reported in individuals affected with hereditary cancer in the literature. This variant has been identified in 1/250356 chromosomes in the general population by the Genome Aggregation Database (gnomAD). The available evidence is insufficient to determine the role of this variant in disease conclusively. Therefore, this variant is classified as a Variant of Uncertain Significance.

Baylor Genetics
Classification: Uncertain significance for Familial cancer of breast. Last evaluated: 2024-01-11. Review status: criteria provided, single submitter. Criteria: ACMG Guidelines, 2015. Collection method: clinical testing. Allele origin: unknown.

Myriad Genetics, Inc.
Classification: Uncertain significance for Familial cancer of breast. Last evaluated: 2023-02-28. Review status: criteria provided, single submitter. Criteria: Myriad Autosomal Dominant, Autosomal Recessive and X-Linked Classification Criteria (2023). Collection method: clinical testing. Allele origin: unknown.
Comment: This variant is classified as a variant of uncertain significance as there is insufficient evidence to determine its impact on protein function and/or cancer risk.

Sema4
Classification: Uncertain significance for Hereditary cancer-predisposing syndrome. Last evaluated: 2022-03-10. Review status: criteria provided, single submitter. Criteria: Sema4 Curation Guidelines. Collection method: curation. Allele origin: germline.
Comment: The BRIP1 c.1171A>G (p.I391V) variant has not been reported in the literature to our knowledge. This variant was observed in 1/113018 chromosomes in the Non-Finnish European population according to the Genome Aggregation Database (PMID: 32461654). The variant has been reported in ClinVar (Variation ID: 216784). Functional studies have not been performed, and in silico predictions of the variant's effect on protein function are inconclusive. The evidence is insufficient to meet ACMG/AMP criteria for classifying the variant as benign or pathogenic. Thus, the clinical significance of this variant is currently uncertain.

Counsyl
Classification: Uncertain significance for Fanconi anemia complementation group J; Ovarian cancer. Last evaluated: 2017-06-05. Review status: no assertion criteria provided. Collection method: clinical testing. Allele origin: unknown. Not counted in ClinVar's aggregate classification.